The following is an entry in ClinVar:

ClinVar aggregate classification (germline): Uncertain significance. Review status: criteria provided, multiple submitters, no conflicts (2 of 4 stars). 2 submissions from 2 submitters: Uncertain significance (2). Last evaluated 2024-01-20.

Conditions:
Meckel syndrome, type 11 (MKS11). Identifiers: Orphanet 564, MedGen C3809352, MONDO:0014164, OMIM 615397.
Joubert syndrome 20 (JBTS20). Identifiers: Orphanet 475, MedGen C3554235, MONDO:0013994, OMIM 614970.

Submissions (2):

Fulgent Genetics
Classification: Uncertain significance for Joubert syndrome 20; Meckel syndrome, type 11. Last evaluated: 2024-01-20. Review status: criteria provided, single submitter. Criteria: ACMG Guidelines, 2015. Collection method: clinical testing. Allele origin: germline.

Labcorp Genetics (formerly Invitae), Labcorp
Classification: Uncertain significance for Joubert syndrome 20; Meckel syndrome, type 11. Last evaluated: 2022-09-08. Review status: criteria provided, single submitter. Criteria: Invitae Variant Classification Sherloc (09022015). Collection method: clinical testing. Allele origin: germline.
Comment: This sequence change replaces histidine, which is basic and polar, with tyrosine, which is neutral and polar, at codon 199 of the TMEM231 protein (p.His199Tyr). In summary, the available evidence is currently insufficient to determine the role of this variant in disease. Therefore, it has been classified as a Variant of Uncertain Significance. Algorithms developed to predict the effect of missense changes on protein structure and function are either unavailable or do not agree on the potential impact of this missense change (SIFT: "Tolerated"; PolyPhen-2: "Not Available"; Align-GVGD: "Class C0"). This variant has not been reported in the literature in individuals affected with TMEM231-related conditions. This variant is not present in population databases (gnomAD no frequency).

NM_001077418.3(TMEM231):c.436C>T (p.His146Tyr)

Gene: TMEM231 (transmembrane protein 231; minus strand). Cytogenetic location: 16q23.1.
Variant type: single nucleotide variant.
Coding change: c.436C>T on transcript NM_001077418.3 (MANE Select); coding-DNA position 436, C replaced by T.
Protein change: p.His146Tyr; replaces histidine 146 with tyrosine.
Molecular consequence: missense variant. On other transcripts: non-coding transcript variant (1).
Genome position (GRCh38, 1-based): chr16:75,545,828, G>A on the plus strand (C>T on the coding strand, the complement: TMEM231 is on the minus strand). VCF-style: chr16-75545828-G-A. GRCh37 (hg19) VCF-style: chr16-75579726-G-A.
Other names: c.595C>T, p.His199Tyr (NM_001077416.2); short protein forms H199Y, H146Y.
Identifiers: ClinVar variation 1924788 (VCV001924788.6), dbSNP rs1415717006, ClinGen allele CA396806910.